The following is an entry in ClinVar:

ClinVar aggregate classification (germline): Uncertain significance. Review status: reviewed by expert panel (3 of 4 stars). 16 submissions from 16 submitters: Uncertain significance (1). 15 of the submissions do not count toward it. Last evaluated 2023-04-05.

Conditions:
PALB2-related cancer predisposition. Identifiers: MedGen CN377761, MONDO:0700272.
Breast-ovarian cancer, familial, susceptibility to, 5 (BROVCA5). Identifiers: MedGen C5830615, MONDO:0957530, OMIM 620442.
Hereditary cancer-predisposing syndrome. Also called: Tumor predisposition; Hereditary Cancer Syndrome; Neoplastic Syndromes, Hereditary; Hereditary neoplastic syndrome. Identifiers: Orphanet 140162, MedGen C0027672, MeSH D009386, MONDO:0015356.
Pancreatic cancer, susceptibility to, 3. Identifiers: Orphanet 1333, MedGen C3150547, MONDO:0013236, OMIM 613348.
Familial cancer of breast. Also called: hereditary breast carcinoma; BREAST CANCER, FAMILIAL; Hereditary breast cancer. Identifiers: Orphanet 227535, MedGen C0346153, MONDO:0016419, OMIM 114480. Disease mechanism: loss of function.
Fanconi anemia complementation group N. Also called: PALB2-Related Fanconi Anemia. Identifiers: Orphanet 84, MedGen C1835817, MONDO:0012565, OMIM 610832. Disease mechanism: loss of function.

Allele frequency attached by ClinVar (database versions not stated): TOPMed 0.00003.

Submissions 1 to 10 of 16:

ClinGen Hereditary Breast, Ovarian and Pancreatic Cancer Variant Curation Expert Panel, ClinGen
Classification: Uncertain significance for PALB2-related cancer predisposition. Last evaluated: 2023-04-05. Review status: reviewed by expert panel. Criteria: ClinGen HBOP VCEP ACMG Specifications PALB2 V1.0.0. Collection method: curation. Allele origin: germline. Inheritance: Autosomal dominant inheritance.
Comment: The c.1748T>G (p.Leu583Trp) variant in PALB2 is a missense variant predicted to cause a substitution of leucine by tryptophan at amino acid 583 (p.Leu583Trp). This variant has a minor allele frequency in gnomAD v2.1.1 of 0.000044 in the non-Finnish European population (PM2_Supporting, BS1, and BA1 are not met). PALB2, in which the variant was identified, is defined by the HBOP VCEP as a gene for which primarily truncating variants are known to cause disease. In summary, this variant meets the criteria to be classified as a variant of uncertain significance for autosomal dominant hereditary breast and pancreatic cancer and autosomal recessive FANCN based on the ACMG/AMP criteria applied as specified by the HBOP VCEP. (BP1)

Labcorp Genetics (formerly Invitae), Labcorp
Classification: Uncertain significance for Familial cancer of breast. Last evaluated: 2026-02-01. Review status: criteria provided, single submitter. Criteria: Invitae Variant Classification Sherloc (09022015). Collection method: clinical testing. Allele origin: germline. Not counted in ClinVar's aggregate classification.
Comment: This sequence change replaces leucine, which is neutral and non-polar, with tryptophan, which is neutral and slightly polar, at codon 583 of the PALB2 protein (p.Leu583Trp). This variant is present in population databases (rs587782151, gnomAD 0.005%). This missense change has been observed in individual(s) with PALB2-related conditions (PMID: 29522266, 31428572, 32546565, 35402282). ClinVar contains an entry for this variant (Variation ID: 141972). Invitae Evidence Modeling of protein sequence and biophysical properties (such as structural, functional, and spatial information, amino acid conservation, physicochemical variation, residue mobility, and thermodynamic stability) indicates that this missense variant is expected to disrupt PALB2 protein function with a positive predictive value of 80%. In summary, the available evidence is currently insufficient to determine the role of this variant in disease. Therefore, it has been classified as a Variant of Uncertain Significance.

Molecular Pathology, Peter Maccallum Cancer Centre
Classification: Uncertain significance for Familial cancer of breast. Last evaluated: 2025-04-17. Review status: criteria provided, single submitter. Criteria: ACMG Guidelines, 2015. Collection method: clinical testing. Allele origin: germline. Inheritance: Autosomal dominant inheritance. Not counted in ClinVar's aggregate classification.

Myriad Genetics, Inc.
Classification: Likely benign for Familial cancer of breast. Last evaluated: 2025-01-14. Review status: criteria provided, single submitter. Criteria: Myriad Autosomal Dominant, Autosomal Recessive and X-Linked Classification Criteria (2023). Collection method: clinical testing. Allele origin: unknown. Not counted in ClinVar's aggregate classification.
Comment: This variant is considered likely benign. This variant is strongly associated with less severe personal and family histories of cancer, typical for individuals without pathogenic variants in this gene [PMID: 25085752]. Homozygosity for this variant has been confirmed in one or more individuals lacking clinical features consistent with gene-specific recessive disease, indicating that this variant is unlikely to be pathogenic.

Department of Pathology and Laboratory Medicine, Sinai Health System
Classification: Uncertain significance for Breast-ovarian cancer, familial, susceptibility to, 5. Last evaluated: 2024-10-10. Review status: criteria provided, single submitter. Criteria: ACMG Guidelines, 2015. Collection method: clinical testing. Allele origin: germline. Affected: yes. Not counted in ClinVar's aggregate classification.

Quest Diagnostics Nichols Institute San Juan Capistrano
Classification: Uncertain significance. Last evaluated: 2024-10-02. Review status: criteria provided, single submitter. Criteria: Quest Diagnostics criteria. Collection method: clinical testing. Allele origin: unknown. Not counted in ClinVar's aggregate classification.
Comment: The PALB2 c.1748T>G (p.Leu583Trp) variant has been reported in the published literature in individuals with breast cancer (PMID: 28779002 (2017), 29522266 (2018), 33471991 (2021), 35402282 (2022), see also LOVD), ovarian cancer (PMID: 32546565 (2021)), and rectum cancer (PMID: 31428572 (2019)). The variant has also been identified in reportedly healthy individuals (PMID: 33471991 (2021), 32546565 (2021), 26315354 (2015)). The frequency of this variant in the general population, 0.000044 (5/113086 chromosomes (Genome Aggregation Database)), is uninformative in the assessment of its pathogenicity. Analysis of this variant using bioinformatics tools for the prediction of the effect of amino acid changes on protein structure and function yielded conflicting predictions that this variant is benign or damaging. Based on the available information, we are unable to determine the clinical significance of this variant.

Blueprint Genetics
Classification: Uncertain significance. Last evaluated: 2024-09-25. Review status: criteria provided, single submitter. Criteria: ACMG Guidelines, 2015. Collection method: clinical testing. Allele origin: germline. Not counted in ClinVar's aggregate classification.

Ambry Genetics
Classification: Likely benign for Hereditary cancer-predisposing syndrome. Last evaluated: 2024-07-16. Review status: criteria provided, single submitter. Criteria: Ambry Variant Classification Scheme 2023. Collection method: clinical testing. Allele origin: germline. Not counted in ClinVar's aggregate classification.

Color Diagnostics, LLC DBA Color Health
Classification: Uncertain significance for Hereditary cancer-predisposing syndrome. Last evaluated: 2024-05-14. Review status: criteria provided, single submitter. Criteria: ACMG Guidelines, 2015. Collection method: clinical testing. Allele origin: germline. Not counted in ClinVar's aggregate classification.
Comment: This missense variant replaces leucine with tryptophan at codon 583 of the PALB2 protein. Computational prediction suggests that this variant may not impact protein structure and function. To our knowledge, functional studies have not been reported for this variant. This variant has been reported in at least three individuals affected with breast cancer and an individual affected with rectal cancer (PMID: 28779002, 29522266, 31428572, 35402282) and in two individuals at age 70 or over who are unaffected with cancer. This variant also has been reported in a breast cancer case-control meta-analysis in 2/60466 cases and 3/53461 unaffected individuals (PMID: 33471991; Leiden Open Variation Database DB-ID PALB2_010368), and in a ovarian cancer case-control study in 1/3431 unaffected individuals and absent in 3236 cases (PMID: 26315354). This variant has been identified in 5/250554 chromosomes in the general population by the Genome Aggregation Database (gnomAD). The available evidence is insufficient to determine the role of this variant in disease conclusively. Therefore, this variant is classified as a Variant of Uncertain Significance.

Baylor Genetics
Classification: Uncertain significance for Familial cancer of breast. Last evaluated: 2024-01-01. Review status: criteria provided, single submitter. Criteria: ACMG Guidelines, 2015. Collection method: clinical testing. Allele origin: unknown. Not counted in ClinVar's aggregate classification.

NM_024675.4(PALB2):c.1748T>G (p.Leu583Trp)

Gene: PALB2 (partner and localizer of BRCA2; minus strand). Cytogenetic location: 16p12.2.
Variant type: single nucleotide variant.
Coding change: c.1748T>G on transcript NM_024675.4 (MANE Select); coding-DNA position 1748, T replaced by G.
Protein change: p.Leu583Trp; replaces leucine 583 with tryptophan.
Molecular consequence: missense variant.
Genome position (GRCh38, 1-based): chr16:23,630,406, A>C on the plus strand (T>G on the coding strand, the complement: PALB2 is on the minus strand). VCF-style: chr16-23630406-A-C. GRCh37 (hg19) VCF-style: chr16-23641727-A-C.
Other names: NM_024675.4(PALB2):c.1748T>G; p.Leu583Trp; short protein forms L583W.
Identifiers: ClinVar variation 141972 (VCV000141972.40), dbSNP rs587782151, ClinGen allele CA166979.